The following is an entry in ClinVar:

NM_000760.4(CSF3R):c.1409C>T (p.Ala470Val)

Gene: CSF3R (colony stimulating factor 3 receptor; minus strand). Cytogenetic location: 1p34.3.
Variant type: single nucleotide variant.
Coding change: c.1409C>T on transcript NM_000760.4 (MANE Select); coding-DNA position 1409, C replaced by T.
Protein change: p.Ala470Val; replaces alanine 470 with valine.
Molecular consequence: missense variant.
Genome position (GRCh38, 1-based): chr1:36,469,717, G>A on the plus strand (C>T on the coding strand, the complement: CSF3R is on the minus strand). VCF-style: chr1-36469717-G-A. GRCh37 (hg19) VCF-style: chr1-36935318-G-A.
Other names: c.1409C>T, p.Ala470Val (NM_156039.3, NM_172313.3); c.1409C>T (NM_000760.3); short protein forms A470V.
Identifiers: ClinVar variation 1361420 (VCV001361420.10), dbSNP rs781634406, ClinGen allele CA769199.

ClinVar aggregate classification (germline): Uncertain significance. Review status: criteria provided, single submitter (1 of 4 stars). 2 submissions from 2 submitters: Uncertain significance (1). 1 of the submissions does not count toward it. Last evaluated 2025-02-07.

Conditions:
CSF3R-related disorder. Also called: CSF3R-related condition.
Autosomal recessive severe congenital neutropenia due to CSF3R deficiency. Also called: Neutropenia, severe congenital, 7, autosomal recessive. Identifiers: Orphanet 420702, MedGen C4310764, MONDO:0014865, OMIM 617014.

Allele frequency attached by ClinVar (database versions not stated): gnomAD 0.00002; TOPMed 0.00002; ExAC 0.00003; gnomAD exomes 0.00005.
gnomAD v4.1: 19 of 1,614,038 alleles (0.0012%); highest among the groups gnomAD compares: Admixed American, 0.018%; no homozygotes.

Submissions (2):

Labcorp Genetics (formerly Invitae), Labcorp
Classification: Uncertain significance for Autosomal recessive severe congenital neutropenia due to CSF3R deficiency. Last evaluated: 2025-02-07. Review status: criteria provided, single submitter. Criteria: Invitae Variant Classification Sherloc (09022015). Collection method: clinical testing. Allele origin: germline.
Comment: This sequence change replaces alanine, which is neutral and non-polar, with valine, which is neutral and non-polar, at codon 470 of the CSF3R protein (p.Ala470Val). This variant is present in population databases (rs781634406, gnomAD 0.03%). This variant has not been reported in the literature in individuals affected with CSF3R-related conditions. ClinVar contains an entry for this variant (Variation ID: 1361420). Invitae Evidence Modeling of protein sequence and biophysical properties (such as structural, functional, and spatial information, amino acid conservation, physicochemical variation, residue mobility, and thermodynamic stability) indicates that this missense variant is not expected to disrupt CSF3R protein function with a negative predictive value of 80%. In summary, the available evidence is currently insufficient to determine the role of this variant in disease. Therefore, it has been classified as a Variant of Uncertain Significance.

PreventionGenetics, part of Exact Sciences
Classification: Uncertain significance for CSF3R-related condition. Last evaluated: 2023-12-05. Review status: no assertion criteria provided. Collection method: clinical testing. Allele origin: germline. Not counted in ClinVar's aggregate classification.
Comment: The CSF3R c.1409C>T variant is predicted to result in the amino acid substitution p.Ala470Val. To our knowledge, this variant has not been reported in the literature. This variant is reported in 0.028% of alleles in individuals of Latino descent in gnomAD. At this time, the clinical significance of this variant is uncertain due to the absence of conclusive functional and genetic evidence.